The following is an entry in ClinVar:

ClinVar aggregate classification (germline): Likely benign (0 of 4 stars; one submission).

Conditions:
CUBN-related disorder. Also called: CUBN-related condition.

Allele frequency attached by ClinVar (database versions not stated): TOPMed below 0.00001; gnomAD exomes 0.00001.
gnomAD v4.1: 3 of 1,614,210 alleles (0.00019%); highest among the groups gnomAD compares: Non-Finnish European, 0.00025%; no homozygotes.

Submission:

PreventionGenetics, part of Exact Sciences
Classification: Likely benign for CUBN-related condition. Last evaluated: 2021-04-29. Review status: no assertion criteria provided. Collection method: clinical testing. Allele origin: germline.
Comment: This variant is classified as likely benign based on ACMG/AMP sequence variant interpretation guidelines (Richards et al. 2015 PMID: 25741868, with internal and published modifications).

NM_001081.4(CUBN):c.120A>G (p.Gln40=)

Gene: CUBN (cubilin; minus strand). Cytogenetic location: 10p13.
Variant type: single nucleotide variant.
Coding change: c.120A>G on transcript NM_001081.4 (MANE Select); coding-DNA position 120, A replaced by G.
Protein change: p.Gln40=; no amino-acid change (glutamine 40 retained).
Molecular consequence: synonymous variant.
Genome position (GRCh38, 1-based): chr10:17,129,646, T>C on the plus strand (A>G on the coding strand, the complement: CUBN is on the minus strand). VCF-style: chr10-17129646-T-C. GRCh37 (hg19) VCF-style: chr10-17171645-T-C.
Identifiers: ClinVar variation 3032800 (VCV003032800.2), dbSNP rs1445966249, ClinGen allele CA468307368.